The following is an entry in ClinVar:

NM_002972.4(SBF1):c.5107C>T (p.Arg1703Trp)

Gene: SBF1 (SET binding factor 1; minus strand). Cytogenetic location: 22q13.33.
Variant type: single nucleotide variant.
Coding change: c.5107C>T on transcript NM_002972.4 (MANE Select); coding-DNA position 5107, C replaced by T.
Protein change: p.Arg1703Trp; replaces arginine 1703 with tryptophan.
Molecular consequence: missense variant.
Genome position (GRCh38, 1-based): chr22:50,448,587, G>A on the plus strand (C>T on the coding strand, the complement: SBF1 is on the minus strand). VCF-style: chr22-50448587-G-A. GRCh37 (hg19) VCF-style: chr22-50887016-G-A.
Other names: c.5032C>T, p.Arg1678Trp (NM_001365819.1); short protein forms R1678W, R1703W.
Identifiers: ClinVar variation 1187975 (VCV001187975.12), dbSNP rs531466401, ClinGen allele CA10315993.

ClinVar aggregate classification (germline): Uncertain significance. Review status: criteria provided, multiple submitters, no conflicts (2 of 4 stars). 3 submissions from 3 submitters: Uncertain significance (3). Last evaluated 2023-08-08.

Allele frequency attached by ClinVar (database versions not stated): gnomAD 0.00002 and 0.00003; TOPMed 0.00002; ExAC 0.00004; 1000 Genomes Project 30x 0.00016; 1000 Genomes Project 0.00020.
gnomAD v4.1: 49 of 1,612,058 alleles (0.003%); highest among the groups gnomAD compares: East Asian, 0.016%; no homozygotes.

Submissions (3):

Ambry Genetics
Classification: Uncertain significance. Last evaluated: 2023-08-08. Review status: criteria provided, single submitter. Criteria: Ambry Variant Classification Scheme 2023. Collection method: clinical testing. Allele origin: germline.

Labcorp Genetics (formerly Invitae), Labcorp
Classification: Uncertain significance. Last evaluated: 2023-01-19. Review status: criteria provided, single submitter. Criteria: Invitae Variant Classification Sherloc (09022015). Collection method: clinical testing. Allele origin: germline.
Comment: Advanced modeling of protein sequence and biophysical properties (such as structural, functional, and spatial information, amino acid conservation, physicochemical variation, residue mobility, and thermodynamic stability) performed at Invitae indicates that this missense variant is not expected to disrupt SBF1 protein function. ClinVar contains an entry for this variant (Variation ID: 1187975). This variant has not been reported in the literature in individuals affected with SBF1-related conditions. This variant is present in population databases (rs531466401, gnomAD 0.03%). This sequence change replaces arginine, which is basic and polar, with tryptophan, which is neutral and slightly polar, at codon 1703 of the SBF1 protein (p.Arg1703Trp). In summary, the available evidence is currently insufficient to determine the role of this variant in disease. Therefore, it has been classified as a Variant of Uncertain Significance.

GeneDx
Classification: Uncertain significance. Last evaluated: 2021-04-02. Review status: criteria provided, single submitter. Criteria: GeneDx Variant Classification Process June 2021. Collection method: clinical testing. Allele origin: germline. Affected: yes.
Comment: In silico analysis supports that this missense variant has a deleterious effect on protein structure/function; Has not been previously published as pathogenic or benign to our knowledge